The following is an entry in ClinVar:

ClinVar aggregate classification (germline): Benign/Likely benign. Review status: criteria provided, multiple submitters, no conflicts (2 of 4 stars). 2 submissions from 2 submitters: Benign (1); Likely benign (1). Last evaluated 2019-12-31.

Conditions:
Long QT syndrome (LQTS). Identifiers: MedGen C0023976, MeSH D008133, MONDO:0002442. Disease mechanism: loss of function. Inheritance: Various modes of inheritance.

Allele frequency attached by ClinVar (database versions not stated): 1000 Genomes Project 0.00559; 1000 Genomes Project 30x 0.00578; TOPMed 0.01429; gnomAD 0.01490 and 0.01535.
gnomAD v4.1: 2,260 of 152,330 alleles (1.5%); highest among the groups gnomAD compares: Non-Finnish European, 2.5%; 26 homozygotes.

Submissions (2):

Labcorp Genetics (formerly Invitae), Labcorp
Classification: Benign for Long QT syndrome. Last evaluated: 2019-12-31. Review status: criteria provided, single submitter. Criteria: Invitae Variant Classification Sherloc (09022015). Collection method: clinical testing. Allele origin: germline.

GeneDx
Classification: Likely benign. Last evaluated: 2018-06-16. Review status: criteria provided, single submitter. Criteria: GeneDx Variant Classification (06012015). Collection method: clinical testing. Allele origin: germline. Affected: yes.
Comment: This variant is considered likely benign or benign based on one or more of the following criteria: it is a conservative change, it occurs at a poorly conserved position in the protein, it is predicted to be benign by multiple in silico algorithms, and/or has population frequency not consistent with disease.

NM_000719.7(CACNA1C):c.2663+188C>T

Gene: CACNA1C (calcium voltage-gated channel subunit alpha1 C; plus strand). Cytogenetic location: 12p13.33.
Variant type: single nucleotide variant.
Coding change: c.2663+188C>T on transcript NM_000719.7 (MANE Select); 188 bases into the intron after coding-DNA position 2663, C replaced by T.
Molecular consequence: intron variant.
Genome position (GRCh38, 1-based): chr12:2,593,533, C>T. VCF-style: chr12-2593533-C-T. GRCh37 (hg19) VCF-style: chr12-2702699-C-T.
Other names: c.2663+188C>T (NM_001167624.3, NM_001167623.2, NM_001167625.2 and 18 more transcripts); c.2654+188C>T (NM_001129844.2).
Identifiers: ClinVar variation 674315 (VCV000674315.5), dbSNP rs117244626, ClinGen allele CA231594546.